The following is an entry in ClinVar:

ClinVar aggregate classification (germline): Uncertain significance (1 of 4 stars; one submission).

Allele frequency attached by ClinVar (database versions not stated): gnomAD exomes below 0.00001; TOPMed below 0.00001; gnomAD 0.00001.
gnomAD v4.1: 2 of 1,205,449 alleles (0.00017%); highest among the groups gnomAD compares: Non-Finnish European, 0.00022%; no homozygotes.

Submission:

GeneDx
Classification: Uncertain significance. Last evaluated: 2017-05-12. Review status: criteria provided, single submitter. Criteria: GeneDx Variant Classification (06012015). Collection method: clinical testing. Allele origin: germline. Affected: yes.
Comment: The A250T variant in the DDX3X gene has not been reported previously as a pathogenic variant, nor as a benign variant, to our knowledge. The A250T variant is not observed in large population cohorts (Lek et al., 2016; 1000 Genomes Consortium et al., 2015; Exome Variant Server). The A250T variant is a non-conservative amino acid substitution, which is likely to impact secondary protein structure as these residues differ in polarity, charge, size and/or other properties. This substitution occurs at a position that is conserved in mammals. In silico analysis is inconsistent in its predictions as to whether or not the variant is damaging to the protein structure/function. We interpret A250T as a variant of uncertain significance.

NM_001356.5(DDX3X):c.748G>A (p.Ala250Thr)

Gene: DDX3X (DEAD-box helicase 3 X-linked; plus strand). Cytogenetic location: Xp11.4.
Variant type: single nucleotide variant.
Coding change: c.748G>A on transcript NM_001356.5 (MANE Select); coding-DNA position 748, G replaced by A.
Protein change: p.Ala250Thr; replaces alanine 250 with threonine.
Molecular consequence: missense variant. On other transcripts: non-coding transcript variant (1).
Genome position (GRCh38, 1-based): chrX:41,343,805, G>A. VCF-style: chrX-41343805-G-A. GRCh37 (hg19) VCF-style: chrX-41203058-G-A.
Other names: c.748G>A, p.Ala250Thr (NM_001193416.3); c.700G>A, p.Ala234Thr (NM_001193417.3); c.190G>A, p.Ala64Thr (NM_001363819.1); short protein forms A250T, A64T, A234T.
Identifiers: ClinVar variation 429559 (VCV000429559.1), dbSNP rs1131691455, ClinGen allele CA412769704.